The following is an entry in ClinVar:

ClinVar aggregate classification (germline): Uncertain significance. Review status: criteria provided, multiple submitters, no conflicts (2 of 4 stars). 2 submissions from 2 submitters: Uncertain significance (2). Last evaluated 2025-04-12.

Conditions:
Inborn genetic diseases. Identifiers: MedGen C0950123, MeSH D030342.

Submissions (2):

Ambry Genetics
Classification: Uncertain significance for Inborn genetic diseases. Last evaluated: 2025-04-12. Review status: criteria provided, single submitter. Criteria: Ambry Variant Classification Scheme 2023. Collection method: clinical testing. Allele origin: germline.

Labcorp Genetics (formerly Invitae), Labcorp
Classification: Uncertain significance. Last evaluated: 2022-10-05. Review status: criteria provided, single submitter. Criteria: Invitae Variant Classification Sherloc (09022015). Collection method: clinical testing. Allele origin: germline.
Comment: Advanced modeling of protein sequence and biophysical properties (such as structural, functional, and spatial information, amino acid conservation, physicochemical variation, residue mobility, and thermodynamic stability) has been performed at Invitae for this missense variant, however the output from this modeling did not meet the statistical confidence thresholds required to predict the impact of this variant on CEP78 protein function. In summary, the available evidence is currently insufficient to determine the role of this variant in disease. Therefore, it has been classified as a Variant of Uncertain Significance. ClinVar contains an entry for this variant (Variation ID: 1463918). This sequence change replaces glycine, which is neutral and non-polar, with valine, which is neutral and non-polar, at codon 41 of the CEP78 protein (p.Gly41Val). This variant is not present in population databases (gnomAD no frequency). This variant has not been reported in the literature in individuals affected with CEP78-related conditions.

NM_001330691.3(CEP78):c.122G>T (p.Gly41Val)

Gene: CEP78 (centrosomal protein 78; plus strand). Cytogenetic location: 9q21.2.
Variant type: single nucleotide variant.
Coding change: c.122G>T on transcript NM_001330691.3 (MANE Select); coding-DNA position 122, G replaced by T.
Protein change: p.Gly41Val; replaces glycine 41 with valine.
Molecular consequence: missense variant.
Genome position (GRCh38, 1-based): chr9:78,236,472, G>T. VCF-style: chr9-78236472-G-T. GRCh37 (hg19) VCF-style: chr9-80851388-G-T.
Other names: c.122G>T, p.Gly41Val (NM_001098802.3, NM_001330693.3, NM_001330694.2 and 4 more transcripts); c.122G>T (NM_001098802.1); short protein forms G41V.
Identifiers: ClinVar variation 1463918 (VCV001463918.9), dbSNP rs768713389, ClinGen allele CA373999304.